The following is an entry in ClinVar:

ClinVar aggregate classification (germline): Benign/Likely benign. Review status: criteria provided, multiple submitters, no conflicts (2 of 4 stars). 2 submissions from 2 submitters: Benign (1); Likely benign (1). Last evaluated 2024-12-17.

Conditions:
Lynch syndrome 5 (LYNCH5). Also called: Hereditary non-polyposis colorectal cancer, type 5; Colorectal cancer, hereditary nonpolyposis, type 5. Identifiers: Orphanet 144, MedGen C1833477, MONDO:0013710, OMIM 614350. Disease mechanism: loss of function.
Hereditary nonpolyposis colorectal neoplasms. Identifiers: MedGen C0009405, MeSH D003123.

Submissions (2):

Myriad Genetics, Inc.
Classification: Benign for Lynch syndrome 5. Last evaluated: 2024-12-17. Review status: criteria provided, single submitter. Criteria: Myriad Autosomal Dominant, Autosomal Recessive and X-Linked Classification Criteria (2023). Collection method: clinical testing. Allele origin: unknown.
Comment: This variant is considered benign. This variant is a silent/synonymous amino acid change and it is not expected to impact splicing.

Labcorp Genetics (formerly Invitae), Labcorp
Classification: Likely benign for Hereditary nonpolyposis colorectal neoplasms. Last evaluated: 2024-04-18. Review status: criteria provided, single submitter. Criteria: Invitae Variant Classification Sherloc (09022015). Collection method: clinical testing. Allele origin: germline.

NM_000179.3(MSH6):c.171C>G (p.Pro57=)

Gene: MSH6 (mutS homolog 6; plus strand). Cytogenetic location: 2p16.3.
Variant type: single nucleotide variant.
Coding change: c.171C>G on transcript NM_000179.3 (MANE Select); coding-DNA position 171, C replaced by G.
Protein change: p.Pro57=; no amino-acid change (proline 57 retained).
Molecular consequence: synonymous variant. On other transcripts: 5 prime UTR variant (7), missense variant (1), non-coding transcript variant (5), intron variant (5).
Genome position (GRCh38, 1-based): chr2:47,783,404, C>G. VCF-style: chr2-47783404-C-G. GRCh37 (hg19) VCF-style: chr2-48010543-C-G.
Other names: c.171C>G, p.Pro57= (NM_001281492.2, NM_001406795.1, NM_001406796.1 and 9 more transcripts); c.-566C>G (NM_001281493.2, NM_001406811.1); c.-158C>G (NM_001406799.1); c.116C>G, p.Pro39Arg (NM_001406804.1); c.-758C>G (NM_001406807.1); c.-413C>G (NM_001406812.1); c.-824C>G (NM_001406814.1); c.-369C>G (NM_001406816.1); and 3 more; short protein forms P39R.
Identifiers: ClinVar variation 2029801 (VCV002029801.5), dbSNP rs1668128624, ClinGen allele CA346734995.
Genomic context (GRCh38, chr2:47,783,404, plus strand): 5'-CCCCGGGGCCTCTCCTTCCCCAGGCGGGGATGCGGCCTGGAGCGAGGCTGGGCCTGGGCC[C>G]AGGCCCTTGGCGCGCTCCGCGTCACCGCCCAAGGCGAAGAACCTCAACGGAGGGCTGCGG-3'
Protein context (NP_000170.1, residues 47-67): DAAWSEAGPG[Pro57=]RPLARSASPP